The following is an entry in ClinVar:

NM_001085049.3(MRAS):c.452C>T (p.Pro151Leu)

Gene: MRAS (muscle RAS oncogene homolog; plus strand). Cytogenetic location: 3q22.3.
Variant type: single nucleotide variant.
Coding change: c.452C>T on transcript NM_001085049.3 (MANE Select); coding-DNA position 452, C replaced by T.
Protein change: p.Pro151Leu; replaces proline 151 with leucine.
Molecular consequence: missense variant.
Genome position (GRCh38, 1-based): chr3:138,400,538, C>T. VCF-style: chr3-138400538-C-T. GRCh37 (hg19) VCF-style: chr3-138119380-C-T.
Other names: c.452C>T, p.Pro151Leu (NM_001252090.2, NM_012219.4); c.224C>T, p.Pro75Leu (NM_001252091.1, NM_001252092.2, NM_001252093.2); short protein forms P75L, P151L.
Identifiers: ClinVar variation 3684481 (VCV003684481.2).

ClinVar aggregate classification (germline): Uncertain significance (1 of 4 stars; one submission).

gnomAD v4.1: 6 of 1,611,774 alleles (0.00037%); highest among the groups gnomAD compares: Non-Finnish European, 0.00051%; no homozygotes.

Submission:

Labcorp Genetics (formerly Invitae), Labcorp
Classification: Uncertain significance. Last evaluated: 2024-04-24. Review status: criteria provided, single submitter. Criteria: Invitae Variant Classification Sherloc (09022015). Collection method: clinical testing. Allele origin: germline.
Comment: This sequence change replaces proline, which is neutral and non-polar, with leucine, which is neutral and non-polar, at codon 151 of the MRAS protein (p.Pro151Leu). This variant is not present in population databases (gnomAD no frequency). This variant has not been reported in the literature in individuals affected with MRAS-related conditions. An algorithm developed to predict the effect of missense changes on protein structure and function (PolyPhen-2) suggests that this variant is likely to be tolerated. In summary, the available evidence is currently insufficient to determine the role of this variant in disease. Therefore, it has been classified as a Variant of Uncertain Significance.